The following is an entry in ClinVar:

NM_000179.3(MSH6):c.2833A>G (p.Arg945Gly)

Gene: MSH6 (mutS homolog 6; plus strand). Cytogenetic location: 2p16.3.
Variant type: single nucleotide variant.
Coding change: c.2833A>G on transcript NM_000179.3 (MANE Select); coding-DNA position 2833, A replaced by G.
Protein change: p.Arg945Gly; replaces arginine 945 with glycine.
Molecular consequence: missense variant.
Genome position (GRCh38, 1-based): chr2:47,800,816, A>G. VCF-style: chr2-47800816-A-G. GRCh37 (hg19) VCF-style: chr2-48027955-A-G.
Other names: c.2443A>G, p.Arg815Gly (NM_001281492.2); c.1927A>G, p.Arg643Gly (NM_001281493.2, NM_001281494.2, NM_001406811.1 and 6 more transcripts); c.2929A>G, p.Arg977Gly (NM_001406795.1, NM_001406802.1); c.2833A>G, p.Arg945Gly (NM_001406796.1, NM_001406798.1, NM_001406800.1 and 2 more transcripts); c.2536A>G, p.Arg846Gly (NM_001406797.1, NM_001406801.1, NM_001406805.1 and 10 more transcripts); c.2308A>G, p.Arg770Gly (NM_001406799.1, NM_001406806.1, NM_001406807.1); c.2755A>G, p.Arg919Gly (NM_001406804.1); c.2839A>G, p.Arg947Gly (NM_001406813.1); and 2 more; short protein forms R770G, R815G, R889G, R945G, R977G, R919G, R260G, R643G.
Identifiers: ClinVar variation 1796611 (VCV001796611.2), dbSNP rs2104426257, ClinGen allele CA346755736.

ClinVar aggregate classification (germline): Uncertain significance (1 of 4 stars; one submission).

Conditions:
Hereditary cancer-predisposing syndrome. Also called: Tumor predisposition; Hereditary Cancer Syndrome; Neoplastic Syndromes, Hereditary; Hereditary neoplastic syndrome. Identifiers: Orphanet 140162, MedGen C0027672, MeSH D009386, MONDO:0015356.

Submission:

Ambry Genetics
Classification: Uncertain significance for Hereditary cancer-predisposing syndrome. Last evaluated: 2017-03-31. Review status: criteria provided, single submitter. Criteria: Ambry Variant Classification Scheme 2023. Collection method: clinical testing. Allele origin: germline.
Comment: The p.R945G variant (also known as c.2833A>G), located in coding exon 4 of the MSH6 gene, results from an A to G substitution at nucleotide position 2833. The arginine at codon 945 is replaced by glycine, an amino acid with dissimilar properties. This amino acid position is not well conserved in available vertebrate species. In addition, the in silico prediction for this alteration is inconclusive. In addition, the CoDP in silico tool predicts this alteration is likely to impair molecular function, with a score of 0.888 (Terui H et al. J. Biomed. Sci. 2013 Apr;20:25). Since supporting evidence is limited at this time, the clinical significance of this alteration remains unclear.